The following is an entry in ClinVar:

NM_001267550.2(TTN):c.11312-5269A>G

Gene: TTN (titin; minus strand). Cytogenetic location: 2q31.2.
Variant type: single nucleotide variant.
Coding change: c.11312-5269A>G on transcript NM_001267550.2 (MANE Select); 5269 bases into the intron before coding-DNA position 11312, A replaced by G.
Molecular consequence: intron variant. On other transcripts: synonymous variant (1).
Genome position (GRCh38, 1-based): chr2:178,747,190, T>C on the plus strand (A>G on the coding strand, the complement: TTN is on the minus strand). VCF-style: chr2-178747190-T-C. GRCh37 (hg19) VCF-style: chr2-179611917-T-C.
Other names: c.15210A>G, p.Leu5070= (NM_133379.5); c.10223-5269A>G (NM_003319.4); c.10799-5269A>G (NM_133437.4); c.10598-5269A>G (NM_133432.3); c.10360+5934A>G (NM_133378.4); c.10361-5269A>G (NM_001256850.1).
Identifiers: ClinVar variation 3894622 (VCV003894622.7), dbSNP rs72648910.

ClinVar aggregate classification (germline): Benign/Likely benign. Review status: criteria provided, multiple submitters, no conflicts (2 of 4 stars). 2 submissions from 2 submitters: Benign (1); Likely benign (1). Last evaluated 2026-03-01.

gnomAD v4.1: 2 of 1,609,642 alleles (0.00012%); highest among the groups gnomAD compares: East Asian, 0.0022%; no homozygotes.

Submissions (2):

CeGaT Center for Human Genetics Tuebingen
Classification: Likely benign. Last evaluated: 2026-03-01. Review status: criteria provided, single submitter. Criteria: CeGaT Center For Human Genetics Tuebingen Variant Classification Criteria Version 2. Collection method: clinical testing. Allele origin: germline. Affected: yes. Observed: 2 variant alleles.
Comment: TTN: BP4, BP7

Molecular Diagnostic Laboratory for Inherited Cardiovascular Disease, Montreal Heart Institute
Classification: Benign. Last evaluated: 2025-04-09. Review status: criteria provided, single submitter. Criteria: ACMG Guidelines, 2015. Collection method: clinical testing. Allele origin: germline. Affected: no.